The following is an entry in ClinVar:

ClinVar aggregate classification (germline): Uncertain significance. Review status: criteria provided, multiple submitters, no conflicts (2 of 4 stars). 3 submissions from 3 submitters: Uncertain significance (3). Last evaluated 2024-03-06.

Conditions:
Arrhythmogenic cardiomyopathy with wooly hair and keratoderma. Also called: Arrhythmogenic cardiomyopathy with woolly hair and keratoderma; Carvajal syndrome; PALMOPLANTAR KERATODERMA WITH LEFT VENTRICULAR CARDIOMYOPATHY AND WOOLLY HAIR; Dilated cardiomyopathy with woolly hair and keratoderma. Identifiers: Orphanet 65282, MedGen C1854063, MONDO:0011581, OMIM 605676.
Arrhythmogenic right ventricular dysplasia 8 (ARVD8). Also called: Arrhythmogenic Right Ventricular Dysplasia/Cardiomyopathy 8; ARRHYTHMOGENIC RIGHT VENTRICULAR DYSPLASIA, FAMILIAL, 8; ARRHYTHMOGENIC RIGHT VENTRICULAR CARDIOMYOPATHY 8. Identifiers: MedGen C1843896, MONDO:0011831, OMIM 607450.
Cardiomyopathy (CMYO). Also called: Cardiomyopathies. Identifiers: Orphanet 167848, MedGen C0878544, MONDO:0004994, HP:0001638. Inheritance: Various modes of inheritance.

Allele frequency attached by ClinVar (database versions not stated): TOPMed below 0.00001; gnomAD exomes 0.00001.

Submissions (3):

Color Diagnostics, LLC DBA Color Health
Classification: Uncertain significance for Cardiomyopathy. Last evaluated: 2024-03-06. Review status: criteria provided, single submitter. Criteria: ACMG Guidelines, 2015. Collection method: clinical testing. Allele origin: germline.
Comment: This missense variant replaces glycine with serine at codon 33 of the DSP protein. Computational prediction suggests that this variant may not impact protein structure and function (internally defined REVEL score threshold <= 0.5, PMID: 27666373). To our knowledge, functional studies have not been reported for this variant. This variant has not been reported in individuals affected with cardiovascular disorders in the literature. This variant has not been identified in the general population by the Genome Aggregation Database (gnomAD). The available evidence is insufficient to determine the role of this variant in disease conclusively. Therefore, this variant is classified as a Variant of Uncertain Significance.

All of Us Research Program, National Institutes of Health
Classification: Uncertain significance for Arrhythmogenic cardiomyopathy with wooly hair and keratoderma. Last evaluated: 2023-03-04. Review status: criteria provided, single submitter. Criteria: ACMG Guidelines, 2015. Collection method: clinical testing. Allele origin: germline. Inheritance: Autosomal dominant inheritance. Observed: 1 variant allele, 1 heterozygote.
Comment: This study involves interpretation of variants in research participants for the purpose of population health screening. Participant phenotype was not available at the time of variant classification. Additional details can be found in publication PMID: 35346344, PMCID: PMC8962531

Labcorp Genetics (formerly Invitae), Labcorp
Classification: Uncertain significance for Arrhythmogenic cardiomyopathy with wooly hair and keratoderma; Arrhythmogenic right ventricular dysplasia 8. Last evaluated: 2022-01-01. Review status: criteria provided, single submitter. Criteria: Invitae Variant Classification Sherloc (09022015). Collection method: clinical testing. Allele origin: germline.
Comment: This sequence change replaces glycine, which is neutral and non-polar, with serine, which is neutral and polar, at codon 33 of the DSP protein (p.Gly33Ser). This variant is not present in population databases (gnomAD no frequency). This variant has not been reported in the literature in individuals affected with DSP-related conditions. ClinVar contains an entry for this variant (Variation ID: 649579). Algorithms developed to predict the effect of missense changes on protein structure and function are either unavailable or do not agree on the potential impact of this missense change (SIFT: "Deleterious"; PolyPhen-2: "Probably Damaging"; Align-GVGD: "Class C0"). In summary, the available evidence is currently insufficient to determine the role of this variant in disease. Therefore, it has been classified as a Variant of Uncertain Significance.

NM_004415.4(DSP):c.97G>A (p.Gly33Ser)

Genes: DSP (desmoplakin; plus strand), DSP-AS1 (DSP antisense RNA 1; minus strand). Cytogenetic location: 6p24.3.
Variant type: single nucleotide variant.
Coding change: c.97G>A on transcript NM_004415.4 (MANE Select); coding-DNA position 97, G replaced by A.
Protein change: p.Gly33Ser; replaces glycine 33 with serine.
Molecular consequence: missense variant.
Genome position (GRCh38, 1-based): chr6:7,542,012, G>A. VCF-style: chr6-7542012-G-A. GRCh37 (hg19) VCF-style: chr6-7542245-G-A.
Other names: c.97G>A (LRG_423t1); c.97G>A, p.Gly33Ser (NM_001008844.3, NM_001319034.2); short protein forms G33S.
Identifiers: ClinVar variation 649579 (VCV000649579.14), dbSNP rs1581777550, ClinGen allele CA362675796.
Genomic context (GRCh38, chr6:7,542,012, plus strand): 5'-ACTCTGGGCCGCATGATCCGCGCCGAGTCTGGCCCGGACCTGCGCTACGAGGTGACCAGC[G>A]GCGGCGGGGGCACCAGCAGGATGTACTATTCTCGGCGCGGCGTGATCACCGACCAGAACT-3'
Protein context (NP_004406.2, residues 23-43): GPDLRYEVTS[Gly33Ser]GGGTSRMYYS